The following is an entry in ClinVar:

ClinVar aggregate classification (germline): Uncertain significance (1 of 4 stars; one submission).

Conditions:
Amyotrophic lateral sclerosis (ALS). Also called: Charcot disease; Lou Gehrig disease. Identifiers: Orphanet 803, MedGen C0002736, MONDO:0004976, HP:0007354.

Allele frequency attached by ClinVar (database versions not stated): gnomAD exomes below 0.00001.
gnomAD v4.1: 1 of 1,612,896 alleles (0.000062%); highest among the groups gnomAD compares: Non-Finnish European, 0.000085%; no homozygotes.

Submission:

UM ALS/MND Lab, University Of Malta
Classification: Uncertain significance for Amyotrophic lateral sclerosis. Last evaluated: 2020-09-09. Review status: criteria provided, single submitter. Criteria: ACMG Guidelines, 2015. Collection method: case-control. Allele origin: unknown. Affected: yes. Observed: 1 variant allele.
Comment: Single heterozygote

NM_001372574.1(ATXN2):c.2470A>C (p.Ile824Leu)

Gene: ATXN2 (ataxin 2; minus strand). Cytogenetic location: 12q24.12.
Variant type: single nucleotide variant.
Coding change: c.2470A>C on transcript NM_001372574.1 (MANE Select); coding-DNA position 2470, A replaced by C.
Protein change: p.Ile824Leu; replaces isoleucine 824 with leucine.
Molecular consequence: missense variant.
Genome position (GRCh38, 1-based): chr12:111,485,319, T>G on the plus strand (A>C on the coding strand, the complement: ATXN2 is on the minus strand). VCF-style: chr12-111485319-T-G. GRCh37 (hg19) VCF-style: chr12-111923123-T-G.
Other names: c.2155A>C, p.Ile719Leu (NM_001310121.1); c.2083A>C, p.Ile695Leu (NM_001310123.1); c.2470A>C, p.Ile824Leu (NM_002973.4); short protein forms I695L, I719L, I824L.
Identifiers: ClinVar variation 981016 (VCV000981016.3), dbSNP rs1338140819, ClinGen allele CA386723736.